The following is an entry in ClinVar:

ClinVar aggregate classification (germline): Likely benign. Review status: criteria provided, multiple submitters, no conflicts (2 of 4 stars). 2 submissions from 2 submitters: Likely benign (2). Last evaluated 2025-04-11.

Conditions:
Marinesco-Sjögren syndrome (MSS). Also called: Marinesco-Sjogren Syndrome; Marinesco-SjÃ¶gren syndrome. Identifiers: Orphanet 559, MedGen C0024814, MONDO:0009567, OMIM 248800.

Allele frequency attached by ClinVar (database versions not stated): gnomAD 0.00001; gnomAD exomes 0.00002; TOPMed 0.00002; ExAC 0.00004.
gnomAD v4.1: 27 of 1,611,022 alleles (0.0017%); highest among the groups gnomAD compares: Non-Finnish European, 0.0019%; no homozygotes.

Submissions (2):

Athena Diagnostics
Classification: Likely benign. Last evaluated: 2025-04-11. Review status: criteria provided, single submitter. Criteria: Athena Diagnostics Criteria. Collection method: clinical testing. Allele origin: unknown.
Comment: Computational tools yielded predictions that this variant is unlikely to have an effect on normal RNA splicing. This nucleotide position exhibits low evolutionary conservation.

Labcorp Genetics (formerly Invitae), Labcorp
Classification: Likely benign for Marinesco-Sjögren syndrome. Last evaluated: 2023-11-13. Review status: criteria provided, single submitter. Criteria: Invitae Variant Classification Sherloc (09022015). Collection method: clinical testing. Allele origin: germline.

NM_022464.5(SIL1):c.72C>T (p.Ala24=)

Gene: SIL1 (SIL1 nucleotide exchange factor; minus strand). Cytogenetic location: 5q31.2.
Variant type: single nucleotide variant.
Coding change: c.72C>T on transcript NM_022464.5 (MANE Select); coding-DNA position 72, C replaced by T.
Protein change: p.Ala24=; no amino-acid change (alanine 24 retained).
Molecular consequence: synonymous variant.
Genome position (GRCh38, 1-based): chr5:139,127,772, G>A on the plus strand (C>T on the coding strand, the complement: SIL1 is on the minus strand). VCF-style: chr5-139127772-G-A. GRCh37 (hg19) VCF-style: chr5-138463461-G-A.
Other names: c.72C>T (NM_022464.4); c.72C>T, p.Ala24= (NM_001037633.2).
Identifiers: ClinVar variation 1925113 (VCV001925113.6), dbSNP rs763889982, ClinGen allele CA3432700.